The following is an entry in ClinVar:

ClinVar aggregate classification (germline): Uncertain significance (1 of 4 stars; one submission).

Conditions:
Inborn genetic diseases. Identifiers: MedGen C0950123, MeSH D030342.

Submission:

Ambry Genetics
Classification: Uncertain significance for Inborn genetic diseases. Last evaluated: 2025-01-05. Review status: criteria provided, single submitter. Criteria: Ambry Variant Classification Scheme 2023. Collection method: clinical testing. Allele origin: germline.
Comment: The p.R1485S variant (also known as c.4455A>C), located in coding exon 30 of the ANKRD26 gene, results from an A to C substitution at nucleotide position 4455. The arginine at codon 1485 is replaced by serine, an amino acid with dissimilar properties. This amino acid position is conserved. In addition, this alteration is predicted to be tolerated by in silico analysis. Based on the available evidence, the clinical significance of this variant remains unclear.

NM_014915.3(ANKRD26):c.4455A>C (p.Arg1485Ser)

Gene: ANKRD26 (ankyrin repeat domain containing 26; minus strand). Cytogenetic location: 10p12.1.
Variant type: single nucleotide variant.
Coding change: c.4455A>C on transcript NM_014915.3 (MANE Select); coding-DNA position 4455, A replaced by C.
Protein change: p.Arg1485Ser; replaces arginine 1485 with serine.
Molecular consequence: missense variant.
Genome position (GRCh38, 1-based): chr10:27,017,553, T>G on the plus strand (A>C on the coding strand, the complement: ANKRD26 is on the minus strand). VCF-style: chr10-27017553-T-G. GRCh37 (hg19) VCF-style: chr10-27306482-T-G.
Other names: c.4452A>C, p.Arg1484Ser (NM_001256053.2); short protein forms R1485S, R1484S.
Identifiers: ClinVar variation 3869979 (VCV003869979.1).